The following is an entry in ClinVar:

ClinVar aggregate classification (germline): Uncertain significance (1 of 4 stars; one submission).

Conditions:
Arterial tortuosity syndrome (ATORS). Identifiers: Orphanet 3342, MedGen C1859726, MONDO:0008818, OMIM 208050.

Allele frequency attached by ClinVar (database versions not stated): gnomAD exomes below 0.00001.
gnomAD v4.1: 2 of 1,614,154 alleles (0.00012%); highest among the groups gnomAD compares: Non-Finnish European, 0.00017%; no homozygotes.

Submission:

Labcorp Genetics (formerly Invitae), Labcorp
Classification: Uncertain significance for Arterial tortuosity syndrome. Last evaluated: 2019-05-24. Review status: criteria provided, single submitter. Criteria: Invitae Variant Classification Sherloc (09022015). Collection method: clinical testing. Allele origin: germline.
Comment: In summary, the available evidence is currently insufficient to determine the role of this variant in disease. Therefore, it has been classified as a Variant of Uncertain Significance. Algorithms developed to predict the effect of missense changes on protein structure and function (SIFT, PolyPhen-2, Align-GVGD) all suggest that this variant is likely to be disruptive, but these predictions have not been confirmed by published functional studies and their clinical significance is uncertain. This variant has not been reported in the literature in individuals with SLC2A10-related conditions. This variant is not present in population databases (ExAC no frequency). This sequence change replaces glutamine with arginine at codon 178 of the SLC2A10 protein (p.Gln178Arg). The glutamine residue is highly conserved and there is a small physicochemical difference between glutamine and arginine.

NM_030777.4(SLC2A10):c.533A>G (p.Gln178Arg)

Gene: SLC2A10 (solute carrier family 2 member 10; plus strand). Cytogenetic location: 20q13.12.
Variant type: single nucleotide variant.
Coding change: c.533A>G on transcript NM_030777.4 (MANE Select); coding-DNA position 533, A replaced by G.
Protein change: p.Gln178Arg; replaces glutamine 178 with arginine.
Molecular consequence: missense variant.
Genome position (GRCh38, 1-based): chr20:46,725,569, A>G. VCF-style: chr20-46725569-A-G. GRCh37 (hg19) VCF-style: chr20-45354208-A-G.
Other names: short protein forms Q178R.
Identifiers: ClinVar variation 952499 (VCV000952499.8), dbSNP rs1326794091, ClinGen allele CA409267196.
Genomic context (GRCh38, chr20:46,725,569, plus strand): 5'-CTGGTACCCCCTGGGGATGGAGGCACATGTTCGGCTGGGCCACTGCACCTGCTGTCCTGC[A>G]ATCCCTCAGCCTCCTCTTCCTCCCTGCTGGTACAGATGAGACTGCAACACACAAGGACCT-3'
Protein context (NP_110404.1, residues 168-188): FGWATAPAVL[Gln178Arg]SLSLLFLPAG